The following is an entry in ClinVar:

NM_000540.3(RYR1):c.212C>A (p.Ser71Tyr)

Gene: RYR1 (ryanodine receptor 1; plus strand). Cytogenetic location: 19q13.2.
Variant type: single nucleotide variant.
Coding change: c.212C>A on transcript NM_000540.3 (MANE Select); coding-DNA position 212, C replaced by A.
Protein change: p.Ser71Tyr; replaces serine 71 with tyrosine.
Molecular consequence: missense variant.
Genome position (GRCh38, 1-based): chr19:38,442,395, C>A. VCF-style: chr19-38442395-C-A. GRCh37 (hg19) VCF-style: chr19-38933035-C-A.
Other names: NM_000540.2(RYR1):c.212C>A; NM_000540.3(RYR1):c.212C>A; c.212C>A, p.Ser71Tyr (NM_001042723.2); short protein forms S71Y.
Identifiers: ClinVar variation 65993 (VCV000065993.14), dbSNP rs118192113, ClinGen allele CA024333.
Genomic context (GRCh38, chr19:38,442,395, plus strand): 5'-CCCTCCCACCCCAGAATGTGCCCCCCGATCTGGCCATCTGTTGCTTCGTCCTGGAGCAGT[C>A]CCTGTCTGTGCGAGCCCTGCAGGAGATGCTGGCTAACACGGTGGAGGCTGGCGTGGAGGT-3'
Protein context (NP_000531.2, residues 61-81): LAICCFVLEQ[Ser71Tyr]LSVRALQEML

ClinVar aggregate classification (germline): Uncertain significance. Review status: reviewed by expert panel (3 of 4 stars). 8 submissions from 8 submitters: Uncertain significance (1). 7 of the submissions do not count toward it. Last evaluated 2025-08-01.

Conditions:
RYR1-related myopathy. Identifiers: Orphanet 98742, MedGen CN305348, MONDO:0100150.
RYR1-related disorder. Also called: RYR1-related disorders; RYR1-related condition. Identifiers: MedGen CN239331.
Central core myopathy (CMYO1A). Also called: CONGENITAL MYOPATHY 1A, AUTOSOMAL DOMINANT, WITH SUSCEPTIBILITY TO MALIGNANT HYPERTHERMIA; Central core disease; Myopathy, central fibrillar. Identifiers: Orphanet 597, MedGen C5830701, MONDO:0007294, OMIM 117000.
Malignant hyperthermia, susceptibility to, 1 (MHS1). Also called: Anesthesia related hyperthermia; Malignant hyperpyrexia; Fulminating hyperpyrexia; Pharmacogenic myopathy; RYR1-Related Malignant Hyperthermia Susceptibility; Malignant hyperthermia suceptibility 1. Identifiers: Orphanet 423, MedGen C2930980, MONDO:0007783, OMIM 145600.

Submissions (8):

ClinGen Malignant Hyperthermia Susceptibility Variant Curation Expert Panel, ClinGen
Classification: Uncertain significance for Malignant hyperthermia, susceptibility to, 1. Last evaluated: 2025-08-01. Review status: reviewed by expert panel. Criteria: ClinGen MHS ACMG Specifications V2. Collection method: curation. Allele origin: germline. Inheritance: Autosomal dominant inheritance. Study: ClinGen.
Comment: This pathogenicity assessment is relevant only for malignant hyperthermia susceptibility (MHS) inherited in an autosomal dominant pattern. Variants in RYR1 can also cause other myopathies inherited in an autosomal dominant pattern or in an autosomal recessive pattern. Some of these disorders may predispose individuals to malignant hyperthermia. RYR1 variants may also contribute to a malignant hyperthermia reaction in combination with other genetic and non-genetic factors and the clinician needs to consider such factors in making management decisions. This sequence variant predicts a substitution of serine with tyrosine at codon 71 of the RYR1 protein, p.(Ser71Tyr). This variant was not present in a large population database (gnomAD) at the time this variant was interpreted. This variant has been reported in the literature in individuals with autosomal recessive myopathies. It has also been described in individuals that were noted to be MHS but without a clear history of an MH reaction. These cases did not meet the criteria for PS4 according to the ClinGen RYR1 VCEP for MHS, (PMID:16835904, PMID:16940308, PMID:17365175). Functional studies published for this variant test the variant in trans with other variants and these studies were not considered for PS3/BS3, (PMID:16940308). This variant resides in a region of RYR1 considered to be a hotspot for pathogenic variants that contribute to MHS, PM1 (PMID:21118704). A REVEL score >0.85 (0.937) supports a pathogenic status for this variant, PP3_Moderate. This variant has been classified as a Variant of Unknown Significance. Criteria implemented: PM1, PP3_Moderate.

Women's Health and Genetics/Laboratory Corporation of America, LabCorp
Classification: Uncertain significance. Last evaluated: 2025-10-30. Review status: criteria provided, single submitter. Criteria: LabCorp Variant Classification Summary - May 2015. Collection method: clinical testing. Allele origin: germline. Not counted in ClinVar's aggregate classification.
Comment: Variant summary: RYR1 c.212C>A (p.Ser71Tyr) results in a non-conservative amino acid change in the encoded protein sequence. Algorithms developed to predict the effect of missense changes on protein structure and function all suggest that this variant is likely to be disruptive. The variant was absent in 251248 control chromosomes (gnomAD). The available data on variant occurrences in the general population are insufficient to allow any conclusion about variant significance. c.212C>A has been observed in individuals affected with Malignant Hyperthermia Susceptibility or with central core myopathy (e.g., Galli_2006, Zhou_2006, Garibaldi_2019, Fusto_2022). These reports do not provide unequivocal conclusions about association of the variant with RYR1-related conditions. To our knowledge, no experimental evidence demonstrating an impact on protein function has been reported. The following publications have been ascertained in the context of this evaluation (PMID: 16835904, 30611313, 35428369, 16940308). ClinVar contains an entry for this variant (Variation ID: 65993). Based on the evidence outlined above, the variant was classified as uncertain significance.

Muscle and Diseases Team, Institut de Génétique et Biologie Moléculaire et Cellulaire
Classification: Likely pathogenic for RYR1-related myopathy. Last evaluated: 2024-03-01. Review status: criteria provided, single submitter. Criteria: ACMG Guidelines, 2015. Collection method: research. Allele origin: unknown. Affected: yes. Observed: 1 variant allele. Not counted in ClinVar's aggregate classification.

Labcorp Genetics (formerly Invitae), Labcorp
Classification: Likely pathogenic for RYR1-related disorder. Last evaluated: 2023-03-24. Review status: criteria provided, single submitter. Criteria: Invitae Variant Classification Sherloc (09022015). Collection method: clinical testing. Allele origin: germline. Not counted in ClinVar's aggregate classification.
Comment: In summary, the currently available evidence indicates that the variant is pathogenic, but additional data are needed to prove that conclusively. Therefore, this variant has been classified as Likely Pathogenic. This sequence change replaces serine, which is neutral and polar, with tyrosine, which is neutral and polar, at codon 71 of the RYR1 protein (p.Ser71Tyr). This variant is not present in population databases (gnomAD no frequency). This missense change has been observed in individual(s) with dominant malignant hyperthermia (PMID: 16835904). This variant has been reported in individual(s) with recessive myopathies (PMID: 16940308, 30611313); however, the role of the variant in this condition is currently unclear. ClinVar contains an entry for this variant (Variation ID: 65993). Advanced modeling of protein sequence and biophysical properties (such as structural, functional, and spatial information, amino acid conservation, physicochemical variation, residue mobility, and thermodynamic stability) has been performed at Invitae for this missense variant, however the output from this modeling did not meet the statistical confidence thresholds required to predict the impact of this variant on RYR1 protein function. Experimental studies have shown that this missense change affects RYR1 function (PMID: 16940308).

All of Us Research Program, National Institutes of Health
Classification: Uncertain significance for Malignant hyperthermia, susceptibility to, 1. Last evaluated: 2023-02-24. Review status: criteria provided, single submitter. Criteria: ACMG Guidelines, 2015. Collection method: clinical testing. Allele origin: germline. Inheritance: Autosomal dominant inheritance. Observed: 1 variant allele, 1 heterozygote. Not counted in ClinVar's aggregate classification.
Comment: This study involves interpretation of variants in research participants for the purpose of population health screening. Participant phenotype was not available at the time of variant classification. Additional details can be found in publication PMID: 35346344, PMCID: PMC8962531

PreventionGenetics, part of Exact Sciences
Classification: Uncertain significance. Last evaluated: 2015-06-22. Review status: criteria provided, single submitter. Criteria: ACMG Guidelines, 2015. Collection method: clinical testing. Allele origin: germline. Not counted in ClinVar's aggregate classification.

GeneReviews
Classification: Pathogenic for Central Core Disease. Last evaluated: 2010-05-11. Review status: no assertion criteria provided. Collection method: curation. Allele origin: unknown. Not counted in ClinVar's aggregate classification.
ClinVar note: Converted during submission from pathologic to Pathogenic.

RYR1 database
No classification provided. Review status: no classification provided. Collection method: not provided. Allele origin: unknown. Not counted in ClinVar's aggregate classification.

Literature cited by the submitters: PubMed 30611313 (cited by 3 submitters); PubMed 35428369 (cited by Women's Health and Genetics/Laboratory Corporation of America, LabCorp); PubMed 16835904 (cited by Women's Health and Genetics/Laboratory Corporation of America, LabCorp and Labcorp Genetics (formerly Invitae), Labcorp); PubMed 16940308 (cited by Women's Health and Genetics/Laboratory Corporation of America, LabCorp and Labcorp Genetics (formerly Invitae), Labcorp).